The following is an entry in ClinVar:

NM_002439.5(MSH3):c.1660_1661del (p.Met554fs)

Gene: MSH3 (mutS homolog 3; plus strand). Cytogenetic location: 5q14.1.
Variant type: Microsatellite.
Coding change: c.1660_1661del on transcript NM_002439.5 (MANE Select); coding-DNA positions 1660 to 1661, 2 bases deleted (AT; older notation c.1660_1661delAT).
Protein change: p.Met554fs; shifts the reading frame from methionine 554.
Molecular consequence: frameshift variant.
Genome position (GRCh38, 1-based): chr5:80,744,512-80,744,513, AT deleted; deleting any 2 consecutive bases within chr5:80,744,510-80,744,513 gives the same sequence; the c. name uses the placement nearest the transcript's 3' end. VCF-style (leftmost placement, unchanged base first): chr5-80744509-GAT-G. GRCh37 (hg19) VCF-style: chr5-80040328-GAT-G.
Other names: short protein forms M554fs.
Identifiers: ClinVar variation 1777472 (VCV001777472.3), dbSNP rs2546762027, ClinGen allele CA2580613579.
Genomic context (GRCh38, chr5:80,744,509, plus strand): 5'-ACAATTTGGCACAAATAATTGTCTAGTTAATAAAACTTGTTTTCTGGTCTTTCTTAGACT[GAT>G]ATGAAAACCAAAGGAAGTTTGCTGTGGGTTTTAGACCACACTAAAACTTCATTTGGGAGA-3'

ClinVar aggregate classification (germline): Pathogenic. Review status: criteria provided, multiple submitters, no conflicts (2 of 4 stars). 2 submissions from 2 submitters: Pathogenic (2). Last evaluated 2026-03-30.

Conditions:
Hereditary cancer-predisposing syndrome. Also called: Hereditary neoplastic syndrome; Neoplastic Syndromes, Hereditary; Tumor predisposition; Hereditary Cancer Syndrome. Identifiers: Orphanet 140162, MedGen C0027672, MeSH D009386, MONDO:0015356.
Familial adenomatous polyposis 4 (FAP4). Also called: MSH3-related attenuated familial adenomatous polyposis. Identifiers: Orphanet 480536, MedGen C4310719, MONDO:0044300, OMIM 617100.

Submissions (2):

Myriad Genetics, Inc.
Classification: Pathogenic for Familial adenomatous polyposis 4. Last evaluated: 2026-03-30. Review status: criteria provided, single submitter. Criteria: Myriad Autosomal Dominant, Autosomal Recessive and X-Linked Classification Criteria (2023). Collection method: clinical testing. Allele origin: unknown.
Comment: This variant is considered pathogenic. This variant creates a frameshift predicted to result in premature protein truncation.

Ambry Genetics
Classification: Pathogenic for Hereditary cancer-predisposing syndrome. Last evaluated: 2021-07-12. Review status: criteria provided, single submitter. Criteria: Ambry Variant Classification Scheme 2023. Collection method: clinical testing. Allele origin: germline.
Comment: The c.1660_1661delAT pathogenic mutation, located in coding exon 12 of the MSH3 gene, results from a deletion of two nucleotides at nucleotide positions 1660 to 1661, causing a translational frameshift with a predicted alternate stop codon (p.M554Efs*14). This alteration is expected to result in loss of function by premature protein truncation or nonsense-mediated mRNA decay. As such, this alteration is interpreted as a disease-causing mutation.